The following is an entry in ClinVar:

ClinVar aggregate classification (germline): Likely benign (1 of 4 stars; one submission).

gnomAD v4.1: 28 of 1,608,164 alleles (0.0017%); highest among the groups gnomAD compares: Admixed American, 0.047%; no homozygotes.

Submission:

CeGaT Center for Human Genetics Tuebingen
Classification: Likely benign. Last evaluated: 2026-09-01. Review status: criteria provided, single submitter. Criteria: CeGaT Center For Human Genetics Tuebingen Variant Classification Criteria Version 2. Collection method: clinical testing. Allele origin: germline. Affected: yes. Observed: 4 variant alleles.
Comment: KDM4B: BP4

NM_015015.3(KDM4B):c.1685A>G (p.Lys562Arg)

Genes: KDM4B (lysine demethylase 4B; plus strand), LOC130063244 (ATAC-STARR-seq lymphoblastoid active region 13796; plus strand). Cytogenetic location: 19p13.3.
Variant type: single nucleotide variant.
Coding change: c.1685A>G on transcript NM_015015.3 (MANE Select); coding-DNA position 1685, A replaced by G.
Protein change: p.Lys562Arg; replaces lysine 562 with arginine.
Molecular consequence: missense variant.
Genome position (GRCh38, 1-based): chr19:5,131,445, A>G. VCF-style: chr19-5131445-A-G. GRCh37 (hg19) VCF-style: chr19-5131456-A-G.
Other names: c.1787A>G, p.Lys596Arg (NM_001411148.1); short protein forms K562R, K596R.
Identifiers: ClinVar variation 4281298 (VCV004281298.7).